The following is an entry in ClinVar:

ClinVar aggregate classification (germline): Uncertain significance. Review status: criteria provided, multiple submitters, no conflicts (2 of 4 stars). 4 submissions from 4 submitters: Uncertain significance (3). 1 of the submissions does not count toward it. Last evaluated 2025-03-28.

Conditions:
SDCCAG8-related disorder. Also called: SDCCAG8-Related Disorders; SDCCAG8-related condition.
Inborn genetic diseases. Identifiers: MedGen C0950123, MeSH D030342.
Senior-Loken syndrome 7 (SLSN7). Identifiers: Orphanet 3156, MedGen C3150877, MONDO:0013326, OMIM 613615.
Bardet-Biedl syndrome 16 (BBS16). Identifiers: Orphanet 110, MedGen C3889474, MONDO:0014444, OMIM 615993.

Allele frequency attached by ClinVar (database versions not stated): gnomAD exomes 0.00001; ExAC 0.00002; gnomAD 0.00004 and 0.00006; ESP Exome Variant Server 0.00008; TOPMed 0.00008.
gnomAD v4.1: 14 of 1,613,984 alleles (0.00087%); highest among the groups gnomAD compares: African/African-American, 0.012%; no homozygotes.

Submissions (4):

Ambry Genetics
Classification: Uncertain significance for Inborn genetic diseases. Last evaluated: 2025-03-28. Review status: criteria provided, single submitter. Criteria: Ambry Variant Classification Scheme 2023. Collection method: clinical testing. Allele origin: germline.

Fulgent Genetics
Classification: Uncertain significance for Senior-Loken syndrome 7; Bardet-Biedl syndrome 16. Last evaluated: 2024-05-23. Review status: criteria provided, single submitter. Criteria: ACMG Guidelines, 2015. Collection method: clinical testing. Allele origin: germline.

Labcorp Genetics (formerly Invitae), Labcorp
Classification: Uncertain significance for Bardet-Biedl syndrome 16; Senior-Loken syndrome 7. Last evaluated: 2022-03-26. Review status: criteria provided, single submitter. Criteria: Invitae Variant Classification Sherloc (09022015). Collection method: clinical testing. Allele origin: germline.
Comment: This sequence change replaces lysine, which is basic and polar, with glutamine, which is neutral and polar, at codon 427 of the SDCCAG8 protein (p.Lys427Gln). This variant is present in population databases (rs375037219, gnomAD 0.02%). This variant has not been reported in the literature in individuals affected with SDCCAG8-related conditions. Algorithms developed to predict the effect of missense changes on protein structure and function are either unavailable or do not agree on the potential impact of this missense change (SIFT: "Deleterious"; PolyPhen-2: "Benign"; Align-GVGD: "Class C0"). In summary, the available evidence is currently insufficient to determine the role of this variant in disease. Therefore, it has been classified as a Variant of Uncertain Significance.

PreventionGenetics, part of Exact Sciences
Classification: Uncertain significance for SDCCAG8-related condition. Last evaluated: 2024-06-03. Review status: no assertion criteria provided. Collection method: clinical testing. Allele origin: germline. Not counted in ClinVar's aggregate classification.
Comment: The SDCCAG8 c.1279A>C variant is predicted to result in the amino acid substitution p.Lys427Gln. To our knowledge, this variant has not been reported in the literature. This variant is reported in 0.019% of alleles in individuals of African descent in gnomAD. At this time, the clinical significance of this variant is uncertain due to the absence of conclusive functional and genetic evidence.

NM_006642.5(SDCCAG8):c.1279A>C (p.Lys427Gln)

Gene: SDCCAG8 (SHH signaling and ciliogenesis regulator SDCCAG8; plus strand). Cytogenetic location: 1q43.
Variant type: single nucleotide variant.
Coding change: c.1279A>C on transcript NM_006642.5 (MANE Select); coding-DNA position 1279, A replaced by C.
Protein change: p.Lys427Gln; replaces lysine 427 with glutamine.
Molecular consequence: missense variant.
Genome position (GRCh38, 1-based): chr1:243,341,096, A>C. VCF-style: chr1-243341096-A-C. GRCh37 (hg19) VCF-style: chr1-243504398-A-C.
Other names: c.1279A>C (NM_006642.3); c.376A>C, p.Lys126Gln (NM_001350246.2, NM_001350247.2, NM_001350251.2); c.1375A>C, p.Lys459Gln (NM_001350248.2); c.985A>C, p.Lys329Gln (NM_001350249.2); short protein forms K329Q, K427Q, K459Q, K126Q.
Identifiers: ClinVar variation 1439652 (VCV001439652.9), dbSNP rs375037219, ClinGen allele CA1483608.